The following is an entry in ClinVar:

NC_000004.11:g.(?_1795662)_(1795790_?)dup

Gene: FGFR3 (fibroblast growth factor receptor 3; plus strand). Cytogenetic location: 4p16.3.
Variant type: Duplication.
Identifiers: ClinVar variation 2422457 (VCV002422457.4).

ClinVar aggregate classification (germline): Uncertain significance (1 of 4 stars; one submission).

Submission:

Labcorp Genetics (formerly Invitae), Labcorp
Classification: Uncertain significance. Last evaluated: 2022-10-02. Review status: criteria provided, single submitter. Criteria: Invitae Variant Classification Sherloc (09022015). Collection method: clinical testing. Allele origin: germline.
Comment: In summary, the available evidence is currently insufficient to determine the role of this variant in disease. Therefore, it has been classified as a Variant of Uncertain Significance. Experimental studies and prediction algorithms are not available or were not evaluated, and the functional significance of this variant is currently unknown. This variant has not been reported in the literature in individuals affected with FGFR3-related conditions. This variant results in a copy number gain of the genomic region encompassing exon(s) 2 of the FGFR3 gene. This region includes the initiator codon of the gene. This copy number gain extends beyond the assayed region for this gene and therefore may encompass additional genes. As the precise location of this event is unknown, it may be in tandem or it may be located elsewhere in the genome.